The following is an entry in ClinVar:

NM_001129.5(AEBP1):c.3384G>C (p.Glu1128Asp)

Gene: AEBP1 (AE binding protein 1; plus strand). Cytogenetic location: 7p13.
Variant type: single nucleotide variant.
Coding change: c.3384G>C on transcript NM_001129.5 (MANE Select); coding-DNA position 3384, G replaced by C.
Protein change: p.Glu1128Asp; replaces glutamic acid 1128 with aspartic acid.
Molecular consequence: missense variant.
Genome position (GRCh38, 1-based): chr7:44,114,168, G>C. VCF-style: chr7-44114168-G-C. GRCh37 (hg19) VCF-style: chr7-44153767-G-C.
Other names: short protein forms E1128D.
Identifiers: ClinVar variation 1033308 (VCV001033308.1), dbSNP rs913206509, ClinGen allele CA367376056.

ClinVar aggregate classification (germline): Uncertain significance (1 of 4 stars; one submission).

Conditions:
Ehlers-Danlos syndrome, classic-like, 2. Identifiers: Orphanet 536532, MedGen C4693870, MONDO:0054813, OMIM 618000.

Submission:

Baylor Genetics
Classification: Uncertain significance for Ehlers-Danlos syndrome, classic-like, 2. Last evaluated: 2018-07-18. Review status: criteria provided, single submitter. Criteria: ACMG Guidelines, 2015. Collection method: clinical testing. Allele origin: unknown. Affected: yes.
Comment: This variant was determined to be of uncertain significance according to ACMG Guidelines, 2015 [PMID:25741868].